The following is an entry in ClinVar:

NM_001267550.2(TTN):c.1349C>T (p.Ala450Val)

Gene: TTN (titin; minus strand). Cytogenetic location: 2q31.2.
Variant type: single nucleotide variant.
Coding change: c.1349C>T on transcript NM_001267550.2 (MANE Select); coding-DNA position 1349, C replaced by T.
Protein change: p.Ala450Val; replaces alanine 450 with valine.
Molecular consequence: missense variant.
Genome position (GRCh38, 1-based): chr2:178,794,448, G>A on the plus strand (C>T on the coding strand, the complement: TTN is on the minus strand). VCF-style: chr2-178794448-G-A. GRCh37 (hg19) VCF-style: chr2-179659175-G-A.
Other names: c.1349C>T, p.Ala450Val (NM_133378.4, NM_001256850.1, NM_003319.4 and 3 more transcripts); short protein forms A450V.
Identifiers: ClinVar variation 166352 (VCV000166352.7), dbSNP rs727503706, ClinGen allele CA179424.

ClinVar aggregate classification (germline): Uncertain significance. Review status: criteria provided, multiple submitters, no conflicts (2 of 4 stars). 2 submissions from 2 submitters: Uncertain significance (2). Last evaluated 2018-10-01.

Conditions:
Cardiomyopathy (CMYO). Also called: Cardiomyopathies. Identifiers: Orphanet 167848, MedGen C0878544, MONDO:0004994, HP:0001638. Inheritance: Various modes of inheritance.

Allele frequency attached by ClinVar (database versions not stated): gnomAD exomes below 0.00001.
gnomAD v4.1: 3 of 1,614,200 alleles (0.00019%); highest among the groups gnomAD compares: East Asian, 0.0067%; no homozygotes.

Submissions (2):

CHEO Genetics Diagnostic Laboratory, Children's Hospital of Eastern Ontario
Classification: Uncertain significance for Cardiomyopathy. Last evaluated: 2018-10-01. Review status: criteria provided, single submitter. Criteria: ACMG Guidelines, 2015. Collection method: clinical testing. Allele origin: germline.

Laboratory for Molecular Medicine, Mass General Brigham Personalized Medicine
Classification: Uncertain significance. Last evaluated: 2014-05-14. Review status: criteria provided, single submitter. Criteria: LMM Criteria. Collection method: clinical testing. Allele origin: germline. Observed: 1 variant allele.
Comment: The Ala450Val variant in TTN has not been previously reported in individuals wit h cardiomyopathy or in large population studies. Computational prediction tools and conservation analysis do not provide strong support for or against an impac t to the protein. In summary, the clinical significance of the Ala450Val variant is uncertain.